The following is an entry in ClinVar:

NM_020312.4(COQ9):c.73+180T>C

Gene: COQ9 (coenzyme Q9; plus strand). Cytogenetic location: 16q21.
Variant type: single nucleotide variant.
Coding change: c.73+180T>C on transcript NM_020312.4 (MANE Select); 180 bases into the intron after coding-DNA position 73, T replaced by C.
Molecular consequence: intron variant.
Genome position (GRCh38, 1-based): chr16:57,447,758, T>C. VCF-style: chr16-57447758-T-C. GRCh37 (hg19) VCF-style: chr16-57481670-T-C.
Identifiers: ClinVar variation 683585 (VCV000683585.2), dbSNP rs223861, ClinGen allele CA14283740.

ClinVar aggregate classification (germline): Benign. Review status: criteria provided, multiple submitters, no conflicts (2 of 4 stars). 2 submissions from 2 submitters: Benign (2). Last evaluated 2018-06-14.

Allele frequency attached by ClinVar (database versions not stated): 1000 Genomes Project 0.76318; 1000 Genomes Project 30x 0.76780; gnomAD 0.78503 and 0.79246; TOPMed 0.78847.
gnomAD v4.1: 320,268 of 429,350 alleles (75%); highest among the groups gnomAD compares: African/African-American, 94%; 121,642 homozygotes.

Submissions (2):

GeneDx
Classification: Benign. Last evaluated: 2018-06-14. Review status: criteria provided, single submitter. Criteria: GeneDx Variant Classification (06012015). Collection method: clinical testing. Allele origin: germline. Affected: yes.
Comment: This variant is considered likely benign or benign based on one or more of the following criteria: it is a conservative change, it occurs at a poorly conserved position in the protein, it is predicted to be benign by multiple in silico algorithms, and/or has population frequency not consistent with disease.

Breakthrough Genomics
Classification: Benign. Review status: criteria provided, single submitter. Criteria: ACMG Guidelines, 2015. Collection method: not provided. Allele origin: germline. Inheritance: Autosomal recessive inheritance. Affected: yes.